The following is an entry in ClinVar:

NM_015102.5(NPHP4):c.1499C>T (p.Pro500Leu)

Gene: NPHP4 (nephrocystin 4; minus strand). Cytogenetic location: 1p36.31.
Variant type: single nucleotide variant.
Coding change: c.1499C>T on transcript NM_015102.5 (MANE Select); coding-DNA position 1499, C replaced by T.
Protein change: p.Pro500Leu; replaces proline 500 with leucine.
Molecular consequence: missense variant. On other transcripts: non-coding transcript variant (1), intron variant (2).
Genome position (GRCh38, 1-based): chr1:5,909,156, G>A on the plus strand (C>T on the coding strand, the complement: NPHP4 is on the minus strand). VCF-style: chr1-5909156-G-A. GRCh37 (hg19) VCF-style: chr1-5969216-G-A.
Other names: c.76-3373C>T (NM_001291594.2); c.76-3376C>T (NM_001291593.2); short protein forms P500L.
Identifiers: ClinVar variation 1312797 (VCV001312797.2), dbSNP rs938118880, ClinGen allele CA17126029.
Genomic context (GRCh38, chr1:5,909,156, plus strand): 5'-CTTGCAAGTAATTGACTCTGGAATTCTGAAGGAGGCCGTGGGGGGCCTGGACTTACCCCT[G>A]GTCCCACAGGTGAGTTCTGCGGGGCAGCGAGAACTCGAGGTACTGGCGCTGGCGGGCCTG-3'
Protein context (NP_055917.1, residues 490-510): LAAPQNSPVG[Pro500Leu]GLSISQLAAS

ClinVar aggregate classification (germline): Uncertain significance (1 of 4 stars; one submission).

Allele frequency attached by ClinVar (database versions not stated): TOPMed below 0.00001.

Submission:

GeneDx
Classification: Uncertain significance. Last evaluated: 2020-06-24. Review status: criteria provided, single submitter. Criteria: GeneDx Variant Classification Process June 2021. Collection method: clinical testing. Allele origin: germline. Affected: yes.
Comment: In silico analysis supports that this missense variant has a deleterious effect on protein structure/function; Has not been previously published as pathogenic or benign to our knowledge